The following is an entry in ClinVar:

NM_015295.3(SMCHD1):c.4270C>A (p.Pro1424Thr)

Gene: SMCHD1 (structural maintenance of chromosomes flexible hinge domain containing 1; plus strand). Cytogenetic location: 18p11.32.
Variant type: single nucleotide variant.
Coding change: c.4270C>A on transcript NM_015295.3 (MANE Select); coding-DNA position 4270, C replaced by A.
Protein change: p.Pro1424Thr; replaces proline 1424 with threonine.
Molecular consequence: missense variant.
Genome position (GRCh38, 1-based): chr18:2,751,382, C>A. VCF-style: chr18-2751382-C-A. GRCh37 (hg19) VCF-style: chr18-2751380-C-A.
Other names: short protein forms P1424T.
Identifiers: ClinVar variation 4082679 (VCV004082679.2).

ClinVar aggregate classification (germline): Uncertain significance. Review status: criteria provided, multiple submitters, no conflicts (2 of 4 stars). 2 submissions from 2 submitters: Uncertain significance (2). Last evaluated 2026-06-17.

Conditions:
Inborn genetic diseases. Identifiers: MedGen C0950123, MeSH D030342.

gnomAD v4.1: 1 of 1,559,550 alleles (0.000064%); highest among the groups gnomAD compares: Non-Finnish European, 0.000086%; no homozygotes.

Submissions (2):

Ambry Genetics
Classification: Uncertain significance for Inborn genetic diseases. Last evaluated: 2026-06-17. Review status: criteria provided, single submitter. Criteria: Ambry Variant Classification Scheme 2023. Collection method: clinical testing. Allele origin: germline.
Comment: The c.4270C>A (p.P1424T) alteration is located in exon 33 (coding exon 33) of the SMCHD1 gene. This alteration results from a C to A substitution at nucleotide position 4270, causing the proline (P) at amino acid position 1424 to be replaced by a threonine (T). Based on data from gnomAD, the A allele has an overall frequency of <0.001% (1/196000) total alleles studied. The highest observed frequency was 0.009% (1/11644) of African alleles. Based on insufficient or conflicting evidence, the clinical significance of this alteration remains unclear.

GeneDx
Classification: Uncertain significance. Last evaluated: 2025-03-12. Review status: criteria provided, single submitter. Criteria: GeneDx Variant Classification Process June 2021. Collection method: clinical testing. Allele origin: germline. Affected: yes.
Comment: Not observed at significant frequency in large population cohorts (gnomAD); In silico analysis supports that this missense variant has a deleterious effect on protein structure/function; Has not been previously published as pathogenic or benign to our knowledge